The following is an entry in ClinVar:

NM_001082486.2(ACD):c.2T>C (p.Met1Thr)

Gene: ACD (ACD shelterin complex subunit and telomerase recruitment factor; minus strand). Cytogenetic location: 16q22.1.
Variant type: single nucleotide variant.
Coding change: c.2T>C on transcript NM_001082486.2 (MANE Select); coding-DNA position 2, T replaced by C.
Protein change: p.Met1Thr; changes the start codon (methionine 1).
Molecular consequence: missense variant, initiator codon variant.
Genome position (GRCh38, 1-based): chr16:67,660,219, A>G on the plus strand (T>C on the coding strand, the complement: ACD is on the minus strand). VCF-style: chr16-67660219-A-G. GRCh37 (hg19) VCF-style: chr16-67694122-A-G.
Other names: c.2T>C, p.Met1Thr (NM_001410884.1, NM_022914.3); short protein forms M1T.
Identifiers: ClinVar variation 2452441 (VCV002452441.4), dbSNP rs2543611764, ClinGen allele CA396359209.

ClinVar aggregate classification (germline): Uncertain significance. Review status: criteria provided, multiple submitters, no conflicts (2 of 4 stars). 2 submissions from 2 submitters: Uncertain significance (2). Last evaluated 2025-06-12.

Conditions:
Inborn genetic diseases. Identifiers: MedGen C0950123, MeSH D030342.
ACD-related disorder. Also called: ACD-related condition.

Submissions (2):

PreventionGenetics, part of Exact Sciences
Classification: Uncertain significance for ACD-related condition. Last evaluated: 2025-06-12. Review status: criteria provided, single submitter. Criteria: ACMG Guidelines, 2015. Collection method: clinical testing. Allele origin: germline.
Comment: The ACD c.260T>C variant is predicted to result in the amino acid substitution p.Met87Thr. To our knowledge, this variant has not been reported in the literature or in a large population database (gnomAD), indicating this variant is rare. At this time, the clinical significance of this variant is uncertain due to the absence of conclusive functional and genetic evidence.

Ambry Genetics
Classification: Uncertain significance for Inborn genetic diseases. Last evaluated: 2022-12-12. Review status: criteria provided, single submitter. Criteria: Ambry Variant Classification Scheme 2023. Collection method: clinical testing. Allele origin: germline.
Comment: The p.M87T variant (also known as c.260T>C), located in coding exon 1 of the ACD gene, results from a T to C substitution at nucleotide position 260. The methionine at codon 87 is replaced by threonine, an amino acid with similar properties. This amino acid position is conserved. In addition, the in silico prediction for this alteration is inconclusive. Since supporting evidence is limited at this time, the clinical significance of this alteration remains unclear.